The following is an entry in ClinVar:

NM_205836.3(FBXO38):c.144G>C (p.Gln48His)

Gene: FBXO38 (F-box protein 38; plus strand). Cytogenetic location: 5q32.
Variant type: single nucleotide variant.
Coding change: c.144G>C on transcript NM_205836.3 (MANE Select); coding-DNA position 144, G replaced by C.
Protein change: p.Gln48His; replaces glutamine 48 with histidine.
Molecular consequence: missense variant.
Genome position (GRCh38, 1-based): chr5:148,399,014, G>C. VCF-style: chr5-148399014-G-C. GRCh37 (hg19) VCF-style: chr5-147778577-G-C.
Other names: c.144G>C, p.Gln48His (NM_001271723.2, NM_030793.5); short protein forms Q48H.
Identifiers: ClinVar variation 4740714 (VCV004740714.1).
Genomic context (GRCh38, chr5:148,399,014, plus strand): 5'-AATACTTATCCACTTGATAAATACGAGTTTCTTTCTCTCACAAAGGTACCTCCCTCTGCA[G>C]GATATCATGTGTATGGAATGTCTTTCCCGGAAGCTAAAGGAAGCAGTGACCCTATATCTG-3'
Protein context (NP_995308.1, residues 38-58): LCHIFRYLPL[Gln48His]DIMCMECLSR

ClinVar aggregate classification (germline): Uncertain significance (1 of 4 stars; one submission).

Conditions:
Distal hereditary motor neuropathy type 2. Identifiers: Orphanet 139525, MedGen C3711384, MeSH C580044, MONDO:0015352.

Submission:

Labcorp Genetics (formerly Invitae), Labcorp
Classification: Uncertain significance for Distal hereditary motor neuropathy type 2. Last evaluated: 2025-11-03. Review status: criteria provided, single submitter. Criteria: Invitae Variant Classification Sherloc (09022015). Collection method: clinical testing. Allele origin: germline.
Comment: This sequence change replaces glutamine, which is neutral and polar, with histidine, which is basic and polar, at codon 48 of the FBXO38 protein (p.Gln48His). This variant is not present in population databases (gnomAD no frequency). This variant has not been reported in the literature in individuals affected with FBXO38-related conditions. Invitae Evidence Modeling of protein sequence and biophysical properties (such as structural, functional, and spatial information, amino acid conservation, physicochemical variation, residue mobility, and thermodynamic stability) indicates that this missense variant is not expected to disrupt FBXO38 protein function with a negative predictive value of 80%. In summary, the available evidence is currently insufficient to determine the role of this variant in disease. Therefore, it has been classified as a Variant of Uncertain Significance.